The following is an entry in ClinVar:

NM_017882.3(CLN6):c.487-12T>A

Gene: CLN6 (CLN6 transmembrane ER protein; minus strand). Cytogenetic location: 15q23.
Variant type: single nucleotide variant.
Coding change: c.487-12T>A on transcript NM_017882.3 (MANE Select); 12 bases into the intron before coding-DNA position 487, T replaced by A.
Molecular consequence: intron variant.
Genome position (GRCh38, 1-based): chr15:68,211,330, A>T on the plus strand (T>A on the coding strand, the complement: CLN6 is on the minus strand). VCF-style: chr15-68211330-A-T. GRCh37 (hg19) VCF-style: chr15-68503668-A-T.
Identifiers: ClinVar variation 316993 (VCV000316993.13), dbSNP rs571940397, ClinGen allele CA7630571.

ClinVar aggregate classification (germline): Conflicting classifications of pathogenicity. Review status: criteria provided, conflicting classifications (1 of 4 stars). 4 submissions from 4 submitters: Uncertain significance (1); Benign (1); Likely benign (2). Last evaluated 2025-11-25.

Conditions:
Neuronal ceroid lipofuscinosis. Also called: Neuronal Ceroid Lipofuscinoses. Identifiers: Orphanet 216, Orphanet 79263, MedGen C0027877, MONDO:0016295. Disease mechanism: loss of function.

Allele frequency attached by ClinVar (database versions not stated): gnomAD below 0.00001 and 0.00003; gnomAD exomes 0.00005 and 0.00014; ExAC 0.00014; 1000 Genomes Project 0.00040; 1000 Genomes Project 30x 0.00047.
gnomAD v4.1: 84 of 1,613,850 alleles (0.0052%); highest among the groups gnomAD compares: South Asian, 0.085%; 1 homozygote.

Submissions (4):

Labcorp Genetics (formerly Invitae), Labcorp
Classification: Benign for Neuronal ceroid lipofuscinosis. Last evaluated: 2025-11-25. Review status: criteria provided, single submitter. Criteria: Invitae Variant Classification Sherloc (09022015). Collection method: clinical testing. Allele origin: germline.

Blueprint Genetics
Classification: Likely benign. Last evaluated: 2023-04-26. Review status: criteria provided, single submitter. Criteria: ACMG Guidelines, 2015. Collection method: clinical testing. Allele origin: germline.

Illumina Laboratory Services, Illumina
Classification: Uncertain significance for Neuronal ceroid lipofuscinosis. Last evaluated: 2018-01-13. Review status: criteria provided, single submitter. Criteria: ICSL Variant Classification Criteria 13 December 2019. Collection method: clinical testing. Allele origin: germline.

GeneDx
Classification: Likely benign. Last evaluated: 2016-09-27. Review status: criteria provided, single submitter. Criteria: GeneDx Variant Classification (06012015). Collection method: clinical testing. Allele origin: germline. Affected: yes.
Comment: This variant is considered likely benign or benign based on one or more of the following criteria: it is a conservative change, it occurs at a poorly conserved position in the protein, it is predicted to be benign by multiple in silico algorithms, and/or has population frequency not consistent with disease.